The following is an entry in ClinVar:

ClinVar aggregate classification (germline): Uncertain significance (1 of 4 stars; one submission).

Submission:

Labcorp Genetics (formerly Invitae), Labcorp
Classification: Uncertain significance. Last evaluated: 2023-10-03. Review status: criteria provided, single submitter. Criteria: Invitae Variant Classification Sherloc (09022015). Collection method: clinical testing. Allele origin: germline.
Comment: This sequence change replaces glutamic acid, which is acidic and polar, with aspartic acid, which is acidic and polar, at codon 1379 of the MYO7A protein (p.Glu1379Asp). This variant is not present in population databases (gnomAD no frequency). This variant has not been reported in the literature in individuals affected with MYO7A-related conditions. ClinVar contains an entry for this variant (Variation ID: 1346514). Advanced modeling of protein sequence and biophysical properties (such as structural, functional, and spatial information, amino acid conservation, physicochemical variation, residue mobility, and thermodynamic stability) has been performed at Invitae for this missense variant, however the output from this modeling did not meet the statistical confidence thresholds required to predict the impact of this variant on MYO7A protein function. In summary, the available evidence is currently insufficient to determine the role of this variant in disease. Therefore, it has been classified as a Variant of Uncertain Significance.

NM_000260.4(MYO7A):c.4137G>T (p.Glu1379Asp)

Gene: MYO7A (myosin VIIA; plus strand). Cytogenetic location: 11q13.5.
Variant type: single nucleotide variant.
Coding change: c.4137G>T on transcript NM_000260.4 (MANE Select); coding-DNA position 4137, G replaced by T.
Protein change: p.Glu1379Asp; replaces glutamic acid 1379 with aspartic acid.
Molecular consequence: missense variant.
Genome position (GRCh38, 1-based): chr11:77,192,263, G>T. VCF-style: chr11-77192263-G-T. GRCh37 (hg19) VCF-style: chr11-76903308-G-T.
Other names: c.4137G>T, p.Glu1379Asp (NM_001127180.2); c.4104G>T, p.Glu1368Asp (NM_001369365.1); short protein forms E1379D, E1368D.
Identifiers: ClinVar variation 1346514 (VCV001346514.8), dbSNP rs1956150844, ClinGen allele CA381949019.